The following is an entry in ClinVar:

ClinVar aggregate classification (germline): Uncertain significance (1 of 4 stars; one submission).

Submission:

CeGaT Center for Human Genetics Tuebingen
Classification: Uncertain significance. Last evaluated: 2024-11-01. Review status: criteria provided, single submitter. Criteria: CeGaT Center For Human Genetics Tuebingen Variant Classification Criteria Version 2. Collection method: clinical testing. Allele origin: germline. Affected: yes. Observed: 1 variant allele.
Comment: JAK3: PM2, BP4

NM_000215.4(JAK3):c.1414A>G (p.Thr472Ala)

Gene: JAK3 (Janus kinase 3; minus strand). Cytogenetic location: 19p13.11.
Variant type: single nucleotide variant.
Coding change: c.1414A>G on transcript NM_000215.4 (MANE Select); coding-DNA position 1414, A replaced by G.
Protein change: p.Thr472Ala; replaces threonine 472 with alanine.
Molecular consequence: missense variant.
Genome position (GRCh38, 1-based): chr19:17,839,504, T>C on the plus strand (A>G on the coding strand, the complement: JAK3 is on the minus strand). VCF-style: chr19-17839504-T-C. GRCh37 (hg19) VCF-style: chr19-17950313-T-C.
Other names: short protein forms T472A.
Identifiers: ClinVar variation 3390234 (VCV003390234.14).
Genomic context (GRCh38, chr19:17,839,504, plus strand): 5'-CAGCCACTCATTCCAGGGGAGGAAGGGGCTCACCTTTGGGTCTGGGGATACAGCAGGAAG[T>C]GAGGGTCACTGCCACCCCATCTACGTGCAGCCCCCCATCCCAGCAGGTTGCCAGGAGCTC-3'
Protein context (NP_000206.2, residues 462-482): LHVDGVAVTL[Thr472Ala]SCCIPRPKEK